The following is an entry in ClinVar:

NM_001365951.3(KIF1B):c.3757C>T (p.Leu1253=)

Gene: KIF1B (kinesin family member 1B; plus strand). Cytogenetic location: 1p36.22.
Variant type: single nucleotide variant.
Coding change: c.3757C>T on transcript NM_001365951.3 (MANE Select); coding-DNA position 3757, C replaced by T.
Protein change: p.Leu1253=; no amino-acid change (leucine 1253 retained).
Molecular consequence: synonymous variant.
Genome position (GRCh38, 1-based): chr1:10,345,913, C>T. VCF-style: chr1-10345913-C-T. GRCh37 (hg19) VCF-style: chr1-10405971-C-T.
Other names: c.3757C>T, p.Leu1253= (NM_001365952.1); c.3619C>T, p.Leu1207= (NM_015074.3).
Identifiers: ClinVar variation 3534012 (VCV003534012.1).

ClinVar aggregate classification (germline): Uncertain significance (1 of 4 stars; one submission).

gnomAD v4.1: 1 of 1,614,110 alleles (0.000062%); highest among the groups gnomAD compares: Non-Finnish European, 0.000085%; no homozygotes.

Submission:

Ambry Genetics
Classification: Uncertain significance. Last evaluated: 2024-09-20. Review status: criteria provided, single submitter. Criteria: Ambry Variant Classification Scheme 2023. Collection method: clinical testing. Allele origin: germline.
Comment: The c.3619C>T variant (also known as p.L1207L), located in coding exon 32 of the KIF1B gene, results from a C to T substitution at nucleotide position 3619. This nucleotide substitution does not change the leucine at codon 1207. This nucleotide position is well conserved in available vertebrate species. In silico splice site analysis for this alteration is inconclusive. The evidence for this gene-disease relationship is limited; therefore, the clinical significance of this alteration is unclear.